The following is an entry in ClinVar:

ClinVar aggregate classification (germline): Benign/Likely benign. Review status: criteria provided, multiple submitters, no conflicts (2 of 4 stars). 2 submissions from 2 submitters: Benign (1); Likely benign (1). Last evaluated 2025-03-20.

Conditions:
Juvenile polyposis syndrome (JPS). Identifiers: Orphanet 2929, MedGen C0345893, MONDO:0017380, OMIM 174900.
Juvenile polyposis/hereditary hemorrhagic telangiectasia syndrome (JPHT). Also called: Juvenile Polyposis Syndrome / Hereditary Hemorrhagic Telangiectasia (JPS/HHT); JP/HHT SYNDROME; JUVENILE POLYPOSIS WITH HEREDITARY HEMORRHAGIC TELANGIECTASIA; POLYPOSIS, GENERALIZED JUVENILE, WITH PULMONARY ARTERIOVENOUS MALFORMATION; TELANGIECTASIA, HEREDITARY HEMORRHAGIC, WITH JUVENILE POLYPOSIS COLI. Identifiers: Orphanet 2929, MedGen C1832942, MONDO:0008278, OMIM 175050.

Submissions (2):

Myriad Genetics, Inc.
Classification: Benign for Juvenile polyposis/hereditary hemorrhagic telangiectasia syndrome. Last evaluated: 2025-03-20. Review status: criteria provided, single submitter. Criteria: Myriad Autosomal Dominant, Autosomal Recessive and X-Linked Classification Criteria (2023). Collection method: clinical testing. Allele origin: unknown.
Comment: This variant is considered benign. This variant is a silent/synonymous amino acid change and it is not expected to impact splicing.

Labcorp Genetics (formerly Invitae), Labcorp
Classification: Likely benign for Juvenile polyposis syndrome. Last evaluated: 2022-07-12. Review status: criteria provided, single submitter. Criteria: Invitae Variant Classification Sherloc (09022015). Collection method: clinical testing. Allele origin: germline.

NM_005359.6(SMAD4):c.1050T>C (p.Val350=)

Gene: SMAD4 (SMAD family member 4; plus strand). Cytogenetic location: 18q21.2.
Variant type: single nucleotide variant.
Coding change: c.1050T>C on transcript NM_005359.6 (MANE Select); coding-DNA position 1050, T replaced by C.
Protein change: p.Val350=; no amino-acid change (valine 350 retained).
Molecular consequence: synonymous variant.
Genome position (GRCh38, 1-based): chr18:51,065,517, T>C. VCF-style: chr18-51065517-T-C. GRCh37 (hg19) VCF-style: chr18-48591887-T-C.
Identifiers: ClinVar variation 1477069 (VCV001477069.9), dbSNP rs1599195447, ClinGen allele CA503874136.